The following is an entry in ClinVar:

NM_002633.3(PGM1):c.*9G>A

Gene: PGM1 (phosphoglucomutase 1; plus strand). Cytogenetic location: 1p31.3.
Variant type: single nucleotide variant.
Coding change: c.*9G>A on transcript NM_002633.3 (MANE Select); 9 bases downstream of the stop codon, G replaced by A.
Molecular consequence: 3 prime UTR variant.
Genome position (GRCh38, 1-based): chr1:63,659,684, G>A. VCF-style: chr1-63659684-G-A. GRCh37 (hg19) VCF-style: chr1-64125355-G-A.
Other names: c.*9G>A (NM_001172818.1, NM_001172819.2).
Identifiers: ClinVar variation 3032150 (VCV003032150.2), dbSNP rs994076364, ClinGen allele CA23843459.

ClinVar aggregate classification (germline): Likely benign (0 of 4 stars; one submission).

Conditions:
PGM1-related disorder. Also called: PGM1-related condition; PGM1-related disorders.

gnomAD v4.1: 1 of 1,598,556 alleles (0.000063%); highest among the groups gnomAD compares: African/African-American, 0.0013%; no homozygotes.

Submission:

PreventionGenetics, part of Exact Sciences
Classification: Likely benign for PGM1-related condition. Last evaluated: 2023-12-16. Review status: no assertion criteria provided. Collection method: clinical testing. Allele origin: germline.
Comment: This variant is classified as likely benign based on ACMG/AMP sequence variant interpretation guidelines (Richards et al. 2015 PMID: 25741868, with internal and published modifications).